The following is an entry in ClinVar:

ClinVar aggregate classification (germline): Uncertain significance (1 of 4 stars; one submission).

Submission:

Women's Health and Genetics/Laboratory Corporation of America, LabCorp
Classification: Uncertain significance. Last evaluated: 2024-07-10. Review status: criteria provided, single submitter. Criteria: LabCorp Variant Classification Summary - May 2015. Collection method: clinical testing. Allele origin: germline.
Comment: Variant summary: TMEM107 c.*604_*610delinsGGTTTAC is located in the untranslated mRNA region downstream of the termination codon. The variant was absent in 31394 control chromosomes. The available data on variant occurrences in the general population are insufficient to allow any conclusion about variant significance. To our knowledge, no occurrence of c.*604_*610delinsGGTTTAC in individuals affected with TMEM107-Related Disorders and no experimental evidence demonstrating its impact on protein function have been reported. No submitters have cited clinical-significance assessments for this variant to ClinVar. Based on the evidence outlined above, the variant was classified as uncertain significance.

NM_183065.4(TMEM107):c.*604_*610delinsGGTTTAC

Gene: TMEM107 (transmembrane protein 107; minus strand). Cytogenetic location: 17p13.1.
Variant type: Indel.
Coding change: c.*604_*610delinsGGTTTAC on transcript NM_183065.4 (MANE Select); 604 bases downstream of the stop codon through 610 bases downstream of the stop codon, TGTTTGT replaced by GGTTTAC.
Molecular consequence: 3 prime UTR variant. On other transcripts: non-coding transcript variant (1).
Genome position (GRCh38, 1-based): chr17:8,173,593-8,173,599, ACAAACA replaced by GTAAACC on the plus strand (TGTTTGT replaced by GGTTTAC on the coding strand, the reverse complement: TMEM107 is on the minus strand). VCF-style: chr17-8173593-ACAAACA-GTAAACC. GRCh37 (hg19) VCF-style: chr17-8076911-ACAAACA-GTAAACC.
Other names: c.*604_*610delinsGGTTTAC (NM_001351278.2, NM_001351279.2, NM_001351280.2 and 1 more transcripts).
Identifiers: ClinVar variation 3338958 (VCV003338958.1).